The following is an entry in ClinVar:

NM_001113491.2(SEPTIN9):c.1183G>A (p.Val395Ile)

Gene: SEPTIN9 (septin 9; plus strand). Cytogenetic location: 17q25.3.
Variant type: single nucleotide variant.
Coding change: c.1183G>A on transcript NM_001113491.2 (MANE Select); coding-DNA position 1183, G replaced by A.
Protein change: p.Val395Ile; replaces valine 395 with isoleucine.
Molecular consequence: missense variant.
Genome position (GRCh38, 1-based): chr17:77,488,785, G>A. VCF-style: chr17-77488785-G-A. GRCh37 (hg19) VCF-style: chr17-75484867-G-A.
Other names: c.691G>A, p.Val231Ile (NM_001113492.2, NM_001113494.1); c.1162G>A, p.Val388Ile (NM_001113493.2); c.430G>A, p.Val144Ile (NM_001113495.2, NM_001113496.2, NM_001293697.2 and 1 more transcripts); c.1126G>A, p.Val376Ile (NM_001293695.2); c.511G>A, p.Val171Ile (NM_001293696.2); c.1129G>A, p.Val377Ile (NM_006640.5); short protein forms V144I, V171I, V231I, V376I, V377I, V388I, V395I.
Identifiers: ClinVar variation 2445520 (VCV002445520.4), dbSNP rs1324986192, ClinGen allele CA401209215.

ClinVar aggregate classification (germline): Uncertain significance (1 of 4 stars; one submission).

Allele frequency attached by ClinVar (database versions not stated): gnomAD exomes below 0.00001; TOPMed below 0.00001.
gnomAD v4.1: 8 of 1,613,932 alleles (0.0005%); highest among the groups gnomAD compares: Middle Eastern, 0.05%; no homozygotes.

Submission:

Labcorp Genetics (formerly Invitae), Labcorp
Classification: Uncertain significance. Last evaluated: 2022-05-30. Review status: criteria provided, single submitter. Criteria: Invitae Variant Classification Sherloc (09022015). Collection method: clinical testing. Allele origin: germline.
Comment: This sequence change replaces valine, which is neutral and non-polar, with isoleucine, which is neutral and non-polar, at codon 377 of the SEPT9 protein (p.Val377Ile). This variant is present in population databases (no rsID available, gnomAD no frequency). This variant has not been reported in the literature in individuals affected with SEPT9-related conditions. Algorithms developed to predict the effect of missense changes on protein structure and function output the following: SIFT: "Tolerated"; PolyPhen-2: "Benign"; Align-GVGD: "Class C0". The isoleucine amino acid residue is found in multiple mammalian species, which suggests that this missense change does not adversely affect protein function. In summary, the available evidence is currently insufficient to determine the role of this variant in disease. Therefore, it has been classified as a Variant of Uncertain Significance.